The following is an entry in ClinVar:

ClinVar aggregate classification (germline): Uncertain significance (1 of 4 stars; one submission).

Allele frequency attached by ClinVar (database versions not stated): gnomAD exomes below 0.00001 and 0.00001.
gnomAD v4.1: 8 of 1,614,070 alleles (0.0005%); highest among the groups gnomAD compares: Non-Finnish European, 0.00068%; no homozygotes.

Submission:

Labcorp Genetics (formerly Invitae), Labcorp
Classification: Uncertain significance. Last evaluated: 2024-11-18. Review status: criteria provided, single submitter. Criteria: Invitae Variant Classification Sherloc (09022015). Collection method: clinical testing. Allele origin: germline.
Comment: This sequence change replaces threonine, which is neutral and polar, with proline, which is neutral and non-polar, at codon 55 of the LCA5 protein (p.Thr55Pro). This variant is present in population databases (no rsID available, gnomAD 0.0009%). This variant has not been reported in the literature in individuals affected with LCA5-related conditions. ClinVar contains an entry for this variant (Variation ID: 1417379). Invitae Evidence Modeling of protein sequence and biophysical properties (such as structural, functional, and spatial information, amino acid conservation, physicochemical variation, residue mobility, and thermodynamic stability) indicates that this missense variant is not expected to disrupt LCA5 protein function with a negative predictive value of 80%. In summary, the available evidence is currently insufficient to determine the role of this variant in disease. Therefore, it has been classified as a Variant of Uncertain Significance.

NM_001122769.3(LCA5):c.163A>C (p.Thr55Pro)

Gene: LCA5 (lebercilin LCA5; minus strand). Cytogenetic location: 6q14.1.
Variant type: single nucleotide variant.
Coding change: c.163A>C on transcript NM_001122769.3 (MANE Select); coding-DNA position 163, A replaced by C.
Protein change: p.Thr55Pro; replaces threonine 55 with proline.
Molecular consequence: missense variant.
Genome position (GRCh38, 1-based): chr6:79,518,732, T>G on the plus strand (A>C on the coding strand, the complement: LCA5 is on the minus strand). VCF-style: chr6-79518732-T-G. GRCh37 (hg19) VCF-style: chr6-80228449-T-G.
Other names: c.163A>C, p.Thr55Pro (NM_181714.4); short protein forms T55P.
Identifiers: ClinVar variation 1417379 (VCV001417379.7), dbSNP rs1191192462, ClinGen allele CA364631393.
Genomic context (GRCh38, chr6:79,518,732, plus strand): 5'-TAGGTCCACCAGACTCTTTTAAAGAATGCTTACCTTGGTGATGTACTTGGCCATCTGAAG[T>G]TTGTCTTTTAGGATTTTTTCTCCTAACACTTGCAGGTGAAGAACTGACCAGCGATGATCG-3'
Protein context (NP_001116241.1, residues 45-65): SVRRKNPKRQ[Thr55Pro]SDGQVHHQAP